The following is an entry in ClinVar:

ClinVar aggregate classification (germline): Conflicting classifications of pathogenicity. Review status: criteria provided, conflicting classifications (1 of 4 stars). 4 submissions from 4 submitters: Uncertain significance (3); Likely benign (1). Last evaluated 2025-02-16.

Conditions:
Supravalvar aortic stenosis (SVAS). Also called: Supravalvar aortic stenosis, Eisenberg type. Identifiers: Orphanet 3193, MedGen C0003499, MONDO:0008504, OMIM 185500, HP:0004381.

Submissions (4):

Laboratory of Genetics, Children's Clinical University Hospital Latvia
Classification: Likely benign. Last evaluated: 2025-02-16. Review status: criteria provided, single submitter. Criteria: ACMG Guidelines, 2015. Collection method: clinical testing. Allele origin: germline. Affected: yes.

Labcorp Genetics (formerly Invitae), Labcorp
Classification: Uncertain significance for Supravalvar aortic stenosis. Last evaluated: 2023-08-30. Review status: criteria provided, single submitter. Criteria: Invitae Variant Classification Sherloc (09022015). Collection method: clinical testing. Allele origin: germline.
Comment: This variant is present in population databases (rs782225994, gnomAD 0.004%). In summary, the available evidence is currently insufficient to determine the role of this variant in disease. Therefore, it has been classified as a Variant of Uncertain Significance. Experimental studies and prediction algorithms are not available or were not evaluated, and the functional significance of this variant is currently unknown. ClinVar contains an entry for this variant (Variation ID: 942072). This variant has not been reported in the literature in individuals affected with ELN-related conditions. This variant, c.1602_1637del, results in the deletion of 12 amino acid(s) of the ELN protein (p.Val536_Gly547del), but otherwise preserves the integrity of the reading frame.

Revvity Omics, Revvity
Classification: Uncertain significance. Last evaluated: 2021-12-10. Review status: criteria provided, single submitter. Criteria: ACMG Guidelines, 2015. Collection method: clinical testing. Allele origin: germline.

GeneDx
Classification: Uncertain significance. Last evaluated: 2021-03-30. Review status: criteria provided, single submitter. Criteria: GeneDx Variant Classification Process June 2021. Collection method: clinical testing. Allele origin: germline. Affected: yes.
Comment: Has not been previously published as pathogenic or benign to our knowledge; Not observed at a significant frequency in large population cohorts (Lek et al., 2016); In silico analysis, which includes protein predictors and evolutionary conservation, supports a deleterious effect; In-frame deletion of 12 amino acids in a repetitive region with no known function

NM_000501.4(ELN):c.1515_1550del (p.501VGVAPG[1])

Genes: ELN-AS1 (ELN antisense RNA 1; minus strand), ELN (elastin; plus strand). Cytogenetic location: 7q11.23.
Variant type: Deletion.
Coding change: c.1515_1550del on transcript NM_000501.4 (MANE Select); coding-DNA positions 1515 to 1550, 36 bases deleted.
Protein change: p.501VGVAPG[1].
Molecular consequence: inframe deletion.
Genome position (GRCh38, 1-based): chr7:74,059,986-74,060,021, 36 bases deleted; deleting any 36 consecutive bases within chr7:74,059,972-74,060,021 gives the same sequence; the c. name uses the placement nearest the transcript's 3' end. GRCh37 (hg19): chr7:73,474,316-73,474,351.
Other names: c.1428_1463del, p.472VGVAPG[1] (NM_001081752.3); c.1473_1508del, p.487VGVAPG[1] (NM_001081753.3); c.1530_1565del, p.506VGVAPG[1] (NM_001081754.3); c.1458_1493del, p.482VGVAPG[1] (NM_001081755.3); c.1515_1550del, p.501VGVAPG[1] (NM_001278912.2); c.1272_1307del, p.420VGVAPG[1] (NM_001278913.2); c.1443_1478del, p.477VGVAPG[1] (NM_001278914.2); c.1533_1568del, p.507VGVAPG[1] (NM_001278915.2); and 4 more.
Identifiers: ClinVar variation 942072 (VCV000942072.15), dbSNP rs782225994, ClinGen allele CA4293078.